The following is an entry in ClinVar:

NM_001111.5(ADAR):c.3614A>G (p.Asp1205Gly)

Gene: ADAR (adenosine deaminase RNA specific; minus strand). Cytogenetic location: 1q21.3.
Variant type: single nucleotide variant.
Coding change: c.3614A>G on transcript NM_001111.5 (MANE Select); coding-DNA position 3614, A replaced by G.
Protein change: p.Asp1205Gly; replaces aspartic acid 1205 with glycine.
Molecular consequence: missense variant.
Genome position (GRCh38, 1-based): chr1:154,584,873, T>C on the plus strand (A>G on the coding strand, the complement: ADAR is on the minus strand). VCF-style: chr1-154584873-T-C. GRCh37 (hg19) VCF-style: chr1-154557349-T-C.
Other names: c.3536A>G, p.Asp1179Gly (NM_015840.4); c.3479A>G, p.Asp1160Gly (NM_015841.4); c.2729A>G, p.Asp910Gly (NM_001025107.3, NM_001193495.2, NM_001365046.1 and 2 more transcripts); c.3641A>G, p.Asp1214Gly (NM_001365045.1); c.2651A>G, p.Asp884Gly (NM_001365049.1); short protein forms D884G, D1179G, D910G, D1160G, D1205G, D1214G.
Identifiers: ClinVar variation 4782509 (VCV004782509.1).

ClinVar aggregate classification (germline): Uncertain significance (1 of 4 stars; one submission).

Conditions:
Aicardi-Goutieres syndrome 6 (AGS6). Identifiers: Orphanet 51, MedGen C3539013, MONDO:0014007, OMIM 615010.
Symmetrical dyschromatosis of extremities (DSH). Also called: Dyschromatosis symmetrica hereditaria; DYSCHROMATOSIS SYMMETRICA HEREDITARIA 1; RETICULATE ACROPIGMENTATION OF DOHI; SYMMETRIC DYSCHROMATOSIS OF THE EXTREMITIES. Identifiers: Orphanet 41, MedGen C0406775, MONDO:0007483, OMIM 127400.

Submission:

Labcorp Genetics (formerly Invitae), Labcorp
Classification: Uncertain significance for Aicardi-Goutieres syndrome 6; Symmetrical dyschromatosis of extremities. Last evaluated: 2025-07-23. Review status: criteria provided, single submitter. Criteria: Invitae Variant Classification Sherloc (09022015). Collection method: clinical testing. Allele origin: germline.
Comment: This sequence change replaces aspartic acid, which is acidic and polar, with glycine, which is neutral and non-polar, at codon 1205 of the ADAR protein (p.Asp1205Gly). This variant is not present in population databases (gnomAD no frequency). This variant has not been reported in the literature in individuals affected with ADAR-related conditions. Invitae Evidence Modeling of protein sequence and biophysical properties (such as structural, functional, and spatial information, amino acid conservation, physicochemical variation, residue mobility, and thermodynamic stability) indicates that this missense variant is not expected to disrupt ADAR protein function with a negative predictive value of 80%. Algorithms developed to predict the effect of sequence changes on RNA splicing suggest that this variant may create or strengthen a splice site. In summary, the available evidence is currently insufficient to determine the role of this variant in disease. Therefore, it has been classified as a Variant of Uncertain Significance.